The following is an entry in ClinVar:

ClinVar aggregate classification (germline): Conflicting classifications of pathogenicity. Review status: criteria provided, conflicting classifications (1 of 4 stars). 3 submissions from 3 submitters: Uncertain significance (2); Benign (1). Last evaluated 2023-12-12.

Conditions:
Aland island eye disease (AIED). Also called: Forsius Eriksson type ocular albinism. Identifiers: Orphanet 178333, MedGen C0268505, MONDO:0010371, OMIM 300600.

Allele frequency attached by ClinVar (database versions not stated): ExAC 0.00002; gnomAD 0.00002 and 0.00004; gnomAD exomes 0.00003; TOPMed 0.00005.
gnomAD v4.1: 47 of 1,201,460 alleles (0.0039%); highest among the groups gnomAD compares: Non-Finnish European, 0.004%; no homozygotes.

Submissions (3):

Genomic Medicine Center of Excellence, King Faisal Specialist Hospital and Research Centre
Classification: Benign for Aland island eye disease. Last evaluated: 2023-12-12. Review status: criteria provided, single submitter. Criteria: ACMG Guidelines, 2015. Collection method: research. Allele origin: germline.

Labcorp Genetics (formerly Invitae), Labcorp
Classification: Uncertain significance. Last evaluated: 2021-11-10. Review status: criteria provided, single submitter. Criteria: Invitae Variant Classification Sherloc (09022015). Collection method: clinical testing. Allele origin: germline.
Comment: Algorithms developed to predict the effect of missense changes on protein structure and function (SIFT, PolyPhen-2, Align-GVGD) all suggest that this variant is likely to be tolerated. In summary, the available evidence is currently insufficient to determine the role of this variant in disease. Therefore, it has been classified as a Variant of Uncertain Significance. This variant has not been reported in the literature in individuals affected with CACNA1F-related conditions. This sequence change replaces arginine, which is basic and polar, with glutamine, which is neutral and polar, at codon 1846 of the CACNA1F protein (p.Arg1846Gln). The frequency data for this variant in the population databases is considered unreliable, as metrics indicate poor data quality at this position in the gnomAD database.

Breakthrough Genomics
Classification: Uncertain significance. Review status: criteria provided, single submitter. Criteria: ACMG Guidelines, 2015. Collection method: not provided. Allele origin: germline. Inheritance: X-linked inheritance. Affected: yes.

NM_001256789.3(CACNA1F):c.5504G>A (p.Arg1835Gln)

Gene: CACNA1F (calcium voltage-gated channel subunit alpha1 F; minus strand). Cytogenetic location: Xp11.23.
Variant type: single nucleotide variant.
Coding change: c.5504G>A on transcript NM_001256789.3 (MANE Select); coding-DNA position 5504, G replaced by A.
Protein change: p.Arg1835Gln; replaces arginine 1835 with glutamine.
Molecular consequence: missense variant.
Genome position (GRCh38, 1-based): chrX:49,205,782, C>T on the plus strand (G>A on the coding strand, the complement: CACNA1F is on the minus strand). VCF-style: chrX-49205782-C-T. GRCh37 (hg19) VCF-style: chrX-49062242-C-T.
Other names: c.5342G>A, p.Arg1781Gln (NM_001256790.3); c.5537G>A, p.Arg1846Gln (NM_005183.4); short protein forms R1781Q, R1835Q, R1846Q.
Identifiers: ClinVar variation 1347248 (VCV001347248.7), dbSNP rs782177944, ClinGen allele CA10409960.